The following is an entry in ClinVar:

NM_000321.3(RB1):c.1115A>G (p.His372Arg)

Gene: RB1 (RB transcriptional corepressor 1; plus strand). Cytogenetic location: 13q14.2.
Variant type: single nucleotide variant.
Coding change: c.1115A>G on transcript NM_000321.3 (MANE Select); coding-DNA position 1115, A replaced by G.
Protein change: p.His372Arg; replaces histidine 372 with arginine.
Molecular consequence: missense variant.
Genome position (GRCh38, 1-based): chr13:48,368,592, A>G. VCF-style: chr13-48368592-A-G. GRCh37 (hg19) VCF-style: chr13-48942728-A-G.
Other names: c.1115A>G, p.His372Arg (NM_001407165.1, NM_001407166.1); short protein forms H372R.
Identifiers: ClinVar variation 2562059 (VCV002562059.3), dbSNP rs1015497370, ClinGen allele CA249277025.

ClinVar aggregate classification (germline): Uncertain significance (1 of 4 stars; one submission).

Conditions:
Hereditary cancer-predisposing syndrome. Also called: Neoplastic Syndromes, Hereditary; Hereditary Cancer Syndrome; Hereditary neoplastic syndrome; Tumor predisposition. Identifiers: Orphanet 140162, MedGen C0027672, MeSH D009386, MONDO:0015356.

gnomAD v4.1: 2 of 1,613,450 alleles (0.00012%); highest among the groups gnomAD compares: Non-Finnish European, 0.00017%; no homozygotes.

Submission:

Ambry Genetics
Classification: Uncertain significance for Hereditary cancer-predisposing syndrome. Last evaluated: 2025-10-10. Review status: criteria provided, single submitter. Criteria: Ambry Variant Classification Scheme 2023. Collection method: clinical testing. Allele origin: germline.
Comment: The p.H372R variant (also known as c.1115A>G), located in coding exon 11 of the RB1 gene, results from an A to G substitution at nucleotide position 1115. The histidine at codon 372 is replaced by arginine, an amino acid with highly similar properties. This amino acid position is conserved. In addition, this alteration is predicted to be tolerated by in silico analysis. Since supporting evidence is limited at this time, the clinical significance of this alteration remains unclear.